The following is an entry in ClinVar:

NM_015338.6(ASXL1):c.3643C>T (p.Pro1215Ser)

Gene: ASXL1 (ASXL transcriptional regulator 1; plus strand). Cytogenetic location: 20q11.21.
Variant type: single nucleotide variant.
Coding change: c.3643C>T on transcript NM_015338.6 (MANE Select); coding-DNA position 3643, C replaced by T.
Protein change: p.Pro1215Ser; replaces proline 1215 with serine.
Molecular consequence: missense variant.
Genome position (GRCh38, 1-based): chr20:32,436,355, C>T. VCF-style: chr20-32436355-C-T. GRCh37 (hg19) VCF-style: chr20-31024158-C-T.
Other names: c.3460C>T, p.Pro1154Ser (NM_001363734.1); short protein forms P1154S, P1215S.
Identifiers: ClinVar variation 3956090 (VCV003956090.1).

ClinVar aggregate classification (germline): Uncertain significance (1 of 4 stars; one submission).

Conditions:
Inborn genetic diseases. Identifiers: MedGen C0950123, MeSH D030342.

gnomAD v4.1: 1 of 1,613,788 alleles (0.000062%); highest among the groups gnomAD compares: Non-Finnish European, 0.000085%; no homozygotes.

Submission:

Ambry Genetics
Classification: Uncertain significance for Inborn genetic diseases. Last evaluated: 2025-04-12. Review status: criteria provided, single submitter. Criteria: Ambry Variant Classification Scheme 2023. Collection method: clinical testing. Allele origin: germline.
Comment: The p.P1215S variant (also known as c.3643C>T), located in coding exon 13 of the ASXL1 gene, results from a C to T substitution at nucleotide position 3643. The proline at codon 1215 is replaced by serine, an amino acid with similar properties. This amino acid position is conserved. In addition, this alteration is predicted to be tolerated by in silico analysis. Based on the available evidence, the clinical significance of this variant remains unclear.